The following is an entry in ClinVar:

NM_030957.4(ADAMTS10):c.2918G>C (p.Ser973Thr)

Gene: ADAMTS10 (ADAM metallopeptidase with thrombospondin type 1 motif 10; minus strand). Cytogenetic location: 19p13.2.
Variant type: single nucleotide variant.
Coding change: c.2918G>C on transcript NM_030957.4 (MANE Select); coding-DNA position 2918, G replaced by C.
Protein change: p.Ser973Thr; replaces serine 973 with threonine.
Molecular consequence: missense variant.
Genome position (GRCh38, 1-based): chr19:8,585,256, C>G on the plus strand (G>C on the coding strand, the complement: ADAMTS10 is on the minus strand). VCF-style: chr19-8585256-C-G. GRCh37 (hg19) VCF-style: chr19-8650140-C-G.
Other names: c.1379G>C, p.Ser460Thr (NM_001282352.2); short protein forms S973T, S460T.
Identifiers: ClinVar variation 1932478 (VCV001932478.2), dbSNP rs782288071, ClinGen allele CA9159989.

ClinVar aggregate classification (germline): Uncertain significance (1 of 4 stars; one submission).

Allele frequency attached by ClinVar (database versions not stated): gnomAD 0.00001; TOPMed 0.00001.
gnomAD v4.1: 8 of 1,493,868 alleles (0.00054%); highest among the groups gnomAD compares: Non-Finnish European, 0.00071%; no homozygotes.

Submission:

Labcorp Genetics (formerly Invitae), Labcorp
Classification: Uncertain significance. Last evaluated: 2022-07-27. Review status: criteria provided, single submitter. Criteria: Invitae Variant Classification Sherloc (09022015). Collection method: clinical testing. Allele origin: germline.
Comment: This sequence change replaces serine, which is neutral and polar, with threonine, which is neutral and polar, at codon 973 of the ADAMTS10 protein (p.Ser973Thr). This variant is not present in population databases (gnomAD no frequency). This variant has not been reported in the literature in individuals affected with ADAMTS10-related conditions. Algorithms developed to predict the effect of missense changes on protein structure and function are either unavailable or do not agree on the potential impact of this missense change (SIFT: "Tolerated"; PolyPhen-2: "Possibly Damaging"; Align-GVGD: "Class C0"). In summary, the available evidence is currently insufficient to determine the role of this variant in disease. Therefore, it has been classified as a Variant of Uncertain Significance.